The following is an entry in ClinVar:

ClinVar aggregate classification (germline): Conflicting classifications of pathogenicity. Review status: criteria provided, conflicting classifications (1 of 4 stars). 9 submissions from 9 submitters: Uncertain significance (1); Benign (1); Likely benign (4). 3 of the submissions do not count toward it. Last evaluated 2025-07-02.

Conditions:
Inborn genetic diseases. Identifiers: MedGen C0950123, MeSH D030342.
Polycystic kidney disease, adult type (PKD1). Also called: Polycystic kidney disease 1, severe; Polycystic Kidney, Autosomal Dominant; POLYCYSTIC KIDNEY DISEASE, ADULT, TYPE I; Polycystic Kidney Disease 1, Autosomal Dominant; Polycystic kidney disease 1; POLYCYSTIC KIDNEY DISEASE 1 WITH OR WITHOUT POLYCYSTIC LIVER DISEASE. Identifiers: MedGen C3149841, MONDO:0008263, OMIM 173900.

Allele frequency attached by ClinVar (database versions not stated): 1000 Genomes Project 0.00100; 1000 Genomes Project 30x 0.00125; ESP Exome Variant Server 0.00139; gnomAD 0.00150; TOPMed 0.00175.
gnomAD v4.1: 562 of 1,610,284 alleles (0.035%); highest among the groups gnomAD compares: African/African-American, 0.5%; 2 homozygotes.

Submissions (10):

Athena Diagnostics
Classification: Benign. Last evaluated: 2025-07-02. Review status: criteria provided, single submitter. Criteria: Athena Diagnostics Criteria. Collection method: clinical testing. Allele origin: unknown.
Comment: The frequency of this variant in the general population is higher than would generally be expected for pathogenic variants in this gene. Computational tools predict this amino acid change may be benign. This variant has been seen where an alternate explanation for disease was also identified.

Blueprint Genetics
Classification: Likely benign. Last evaluated: 2024-11-15. Review status: criteria provided, single submitter. Criteria: ACMG Guidelines, 2015. Collection method: clinical testing. Allele origin: germline.

Department of Pathology and Laboratory Medicine, Sinai Health System
Classification: Likely benign for Polycystic kidney disease, adult type. Last evaluated: 2024-07-30. Review status: criteria provided, single submitter. Criteria: ACMG Guidelines, 2015. Collection method: clinical testing. Allele origin: germline.

Ambry Genetics
Classification: Uncertain significance for Inborn genetic diseases. Last evaluated: 2022-04-25. Review status: criteria provided, single submitter. Criteria: Ambry Variant Classification Scheme 2023. Collection method: clinical testing. Allele origin: germline.

GeneDx
Classification: Likely benign. Last evaluated: 2019-12-12. Review status: criteria provided, single submitter. Criteria: GeneDx Variant Classification Process June 2021. Collection method: clinical testing. Allele origin: germline. Affected: yes.
Comment: This variant is associated with the following publications: (PMID: 22895193, 26000489)

ARUP Laboratories, Molecular Genetics and Genomics, ARUP Laboratories
Classification: Likely benign. Last evaluated: 2018-03-07. Review status: criteria provided, single submitter. Criteria: ARUP Molecular Germline Variant Investigation Process. Collection method: clinical testing. Allele origin: germline.
Comment: The PKD1 c.10325C>T; p.Ala3442Val variant (rs144593342), to our knowledge, is not reported in the medical literature but is reported as likely benign in ClinVar (Variation ID: 387124). This variant is found in the African population at an overall frequency of 0.5% (105/23514 alleles) in the Genome Aggregation Database. The alanine at codon 3442 is weakly conserved and computational algorithms (SIFT, PolyPhen2) predict this variant to be tolerated. Based on the above information, this variant is considered likely benign.

Clinical Genetics DNA and cytogenetics Diagnostics Lab, Erasmus MC, Erasmus Medical Center
Classification: Likely benign. Review status: no assertion criteria provided. Collection method: clinical testing. Allele origin: germline. Affected: yes. Study: VKGL Data-share Consensus. Not counted in ClinVar's aggregate classification.

Dr. Peter K. Rogan Lab, Western University
No classification provided (evidence only). Condition: Familial cancer of breast. Review status: no classification provided. Collection method: in vitro. Allele origin: not applicable. Functional consequence: skipped exon, retained intron. Not counted in ClinVar's aggregate classification.

Genome Diagnostics Laboratory, University Medical Center Utrecht
Classification: Likely benign. Review status: no assertion criteria provided. Collection method: clinical testing. Allele origin: germline. Affected: yes. Study: VKGL Data-share Consensus. Not counted in ClinVar's aggregate classification.

Laboratory of Diagnostic Genome Analysis, Leiden University Medical Center (LUMC)
Classification: Likely benign. Review status: no assertion criteria provided. Collection method: clinical testing. Allele origin: germline. Affected: yes. Study: VKGL Data-share Consensus. Not counted in ClinVar's aggregate classification.

NM_001009944.3(PKD1):c.10325C>T (p.Ala3442Val)

Gene: PKD1 (polycystin 1, transient receptor potential channel interacting; minus strand). Cytogenetic location: 16p13.3.
Variant type: single nucleotide variant.
Coding change: c.10325C>T on transcript NM_001009944.3 (MANE Select); coding-DNA position 10325, C replaced by T.
Protein change: p.Ala3442Val; replaces alanine 3442 with valine.
Molecular consequence: missense variant.
Genome position (GRCh38, 1-based): chr16:2,097,399, G>A on the plus strand (C>T on the coding strand, the complement: PKD1 is on the minus strand). VCF-style: chr16-2097399-G-A. GRCh37 (hg19) VCF-style: chr16-2147400-G-A.
Other names: NC_000016.9:g.2147400G>A; c.10322C>T, p.Ala3441Val (NM_000296.4); short protein forms A3442V, A3441V.
Identifiers: ClinVar variation 387124 (VCV000387124.17), dbSNP rs144593342, ClinGen allele CA7829658.